The following is an entry in ClinVar:

NM_000283.4(PDE6B):c.2449A>G (p.Lys817Glu)

Gene: PDE6B (phosphodiesterase 6B; plus strand). Cytogenetic location: 4p16.3.
Variant type: single nucleotide variant.
Coding change: c.2449A>G on transcript NM_000283.4 (MANE Select); coding-DNA position 2449, A replaced by G.
Protein change: p.Lys817Glu; replaces lysine 817 with glutamic acid.
Molecular consequence: missense variant. On other transcripts: intron variant (2).
Genome position (GRCh38, 1-based): chr4:667,952, A>G. VCF-style: chr4-667952-A-G. GRCh37 (hg19) VCF-style: chr4-661741-A-G.
Other names: c.2449A>G, p.Lys817Glu (NM_001145291.2); c.1612A>G, p.Lys538Glu (NM_001145292.2, NM_001379246.1, NM_001379247.1); c.1601+11A>G (NM_001350154.3); c.1283+11A>G (NM_001350155.3); short protein forms K538E, K817E.
Identifiers: ClinVar variation 1059888 (VCV001059888.9), dbSNP rs1737991897, ClinGen allele CA355920587.

ClinVar aggregate classification (germline): Uncertain significance (1 of 4 stars; one submission).

Allele frequency attached by ClinVar (database versions not stated): gnomAD exomes below 0.00001; TOPMed 0.00002.
gnomAD v4.1: 4 of 1,613,466 alleles (0.00025%); highest among the groups gnomAD compares: Admixed American, 0.0017%; no homozygotes.

Submission:

Labcorp Genetics (formerly Invitae), Labcorp
Classification: Uncertain significance. Last evaluated: 2025-10-21. Review status: criteria provided, single submitter. Criteria: Invitae Variant Classification Sherloc (09022015). Collection method: clinical testing. Allele origin: germline.
Comment: This sequence change replaces lysine, which is basic and polar, with glutamic acid, which is acidic and polar, at codon 817 of the PDE6B protein (p.Lys817Glu). This variant is not present in population databases (gnomAD no frequency). This variant has not been reported in the literature in individuals affected with PDE6B-related conditions. ClinVar contains an entry for this variant (Variation ID: 1059888). Invitae Evidence Modeling of protein sequence and biophysical properties (such as structural, functional, and spatial information, amino acid conservation, physicochemical variation, residue mobility, and thermodynamic stability) has been performed for this missense variant. However, the output from this modeling did not meet the statistical confidence thresholds required to predict the impact of this variant on PDE6B protein function. In summary, the available evidence is currently insufficient to determine the role of this variant in disease. Therefore, it has been classified as a Variant of Uncertain Significance.